The following is an entry in ClinVar:

ClinVar aggregate classification (germline): Likely pathogenic (1 of 4 stars; one submission).

Conditions:
Methylcobalamin deficiency type cblE (HMAE). Also called: HOMOCYSTINURIA-MEGALOBLASTIC ANEMIA, cblE TYPE; HOMOCYSTINURIA-MEGALOBLASTIC ANEMIA, cblE COMPLEMENTATION TYPE; VITAMIN B12-RESPONSIVE HOMOCYSTINURIA, cblE TYPE. Identifiers: Orphanet 2169, Orphanet 622, MedGen C1856057, MONDO:0009354, OMIM 236270.

gnomAD v4.1: 2 of 1,600,068 alleles (0.00012%); highest among the groups gnomAD compares: Non-Finnish European, 0.00017%; no homozygotes.

Submission:

Natera, Inc.
Classification: Likely pathogenic for CblE complementation type homocystinuria-megaloblastic anemia due to defect in cobalamin metabolism. Last evaluated: 2024-10-17. Review status: criteria provided, single submitter. Criteria: Natera Variant Classification Schema (03/2026). Collection method: clinical testing. Allele origin: germline.
Comment: The c.401+1G>T variant in MTRR is a canonical splice donor site variant predicted to affect pre-mRNA splicing, which may result in an abnormal transcript and altered protein product. This variant is expected to result in nonsense mediated decay, truncation, or a dysfunctional protein product. This variant is rare in the general population with a frequency below the threshold expected for the associated phenotype(s). Given the available evidence, this variant is classified as Likely Pathogenic.

NM_002454.3(MTRR):c.401+1G>T

Gene: MTRR (5-methyltetrahydrofolate-homocysteine methyltransferase reductase; plus strand). Cytogenetic location: 5p15.31.
Variant type: single nucleotide variant.
Coding change: c.401+1G>T on transcript NM_002454.3 (MANE Select); the canonical splice donor site of the intron after coding-DNA position 401, G replaced by T.
Molecular consequence: splice donor variant.
Genome position (GRCh38, 1-based): chr5:7,875,376, G>T. VCF-style: chr5-7875376-G-T. GRCh37 (hg19) VCF-style: chr5-7875489-G-T.
Other names: c.401+1G>T (NM_001364440.2, NM_001364441.2, NM_001364442.2 and 1 more transcripts).
Identifiers: ClinVar variation 4815060 (VCV004815060.1).